The following is an entry in ClinVar:

ClinVar aggregate classification (germline): Likely benign. Review status: criteria provided, multiple submitters, no conflicts (2 of 4 stars). 4 submissions from 4 submitters: Likely benign (2). 2 of the submissions do not count toward it. Last evaluated 2026-07-01.

Allele frequency attached by ClinVar (database versions not stated): gnomAD exomes below 0.00001 and 0.00002; gnomAD 0.00001; ExAC 0.00002; TOPMed 0.00002.
gnomAD v4.1: 22 of 1,612,506 alleles (0.0014%); highest among the groups gnomAD compares: East Asian, 0.011%; no homozygotes.

Submissions (4):

CeGaT Center for Human Genetics Tuebingen
Classification: Likely benign. Last evaluated: 2026-07-01. Review status: criteria provided, single submitter. Criteria: CeGaT Center For Human Genetics Tuebingen Variant Classification Criteria Version 2. Collection method: clinical testing. Allele origin: germline. Affected: yes. Observed: 1 variant allele.
Comment: SLC12A6: BP4, BP7

Labcorp Genetics (formerly Invitae), Labcorp
Classification: Likely benign. Last evaluated: 2024-08-22. Review status: criteria provided, single submitter. Criteria: Invitae Variant Classification Sherloc (09022015). Collection method: clinical testing. Allele origin: germline.

Clinical Genetics DNA and cytogenetics Diagnostics Lab, Erasmus MC, Erasmus Medical Center
Classification: Likely benign. Review status: no assertion criteria provided. Collection method: clinical testing. Allele origin: germline. Affected: yes. Study: VKGL Data-share Consensus. Not counted in ClinVar's aggregate classification.

Clinical Genetics, Academic Medical Center
Classification: Likely benign. Review status: no assertion criteria provided. Collection method: clinical testing. Allele origin: germline. Affected: yes. Study: VKGL Data-share Consensus. Not counted in ClinVar's aggregate classification.

NM_001365088.1(SLC12A6):c.2844A>G (p.Gln948=)

Gene: SLC12A6 (solute carrier family 12 member 6; minus strand). Cytogenetic location: 15q14.
Variant type: single nucleotide variant.
Coding change: c.2844A>G on transcript NM_001365088.1 (MANE Select); coding-DNA position 2844, A replaced by G.
Protein change: p.Gln948=; no amino-acid change (glutamine 948 retained).
Molecular consequence: synonymous variant.
Genome position (GRCh38, 1-based): chr15:34,237,509, T>C on the plus strand (A>G on the coding strand, the complement: SLC12A6 is on the minus strand). VCF-style: chr15-34237509-T-C. GRCh37 (hg19) VCF-style: chr15-34529710-T-C.
Other names: c.2667A>G, p.Gln889= (NM_001042494.2, NM_001042495.2); c.2817A>G, p.Gln939= (NM_001042496.2); c.2799A>G, p.Gln933= (NM_001042497.2); c.2691A>G, p.Gln897= (NM_005135.2); c.2844A>G, p.Gln948= (NM_133647.2).
Identifiers: ClinVar variation 722751 (VCV000722751.14), dbSNP rs761469559, ClinGen allele CA7463983.